The following is an entry in ClinVar:

NM_213599.3(ANO5):c.-136G>C

Gene: ANO5 (anoctamin 5; plus strand). Cytogenetic location: 11p14.3.
Variant type: single nucleotide variant.
Coding change: c.-136G>C on transcript NM_213599.3 (MANE Select); 136 bases upstream of the start codon, G replaced by C.
Molecular consequence: 5 prime UTR variant.
Genome position (GRCh38, 1-based): chr11:22,193,357, G>C. VCF-style: chr11-22193357-G-C. GRCh37 (hg19) VCF-style: chr11-22214903-G-C.
Other names: c.-136G>C (NM_001142649.2).
Identifiers: ClinVar variation 140544 (VCV000140544.14), dbSNP rs12792259, ClinGen allele CA232774.

ClinVar aggregate classification (germline): Benign. Review status: criteria provided, multiple submitters, no conflicts (2 of 4 stars). 8 submissions from 6 submitters: Benign (7). 1 of the submissions does not count toward it. Last evaluated 2021-07-14.

Conditions:
ANO5-Related Muscle Diseases. Identifiers: MedGen CN180644.
Autosomal recessive limb-girdle muscular dystrophy type 2L (LGMDR12). Also called: MUSCULAR DYSTROPHY, LIMB-GIRDLE, AUTOSOMAL RECESSIVE 12; Limb-girdle muscular dystrophy, type 2L; Limb-Girdle Muscular Dystrophy R12 Anoctamin-5-Related (LGMD-R12). Identifiers: Orphanet 206549, MedGen C1969785, MONDO:0012652, OMIM 611307.
Gnathodiaphyseal dysplasia (GDD). Also called: GNATHODIAPHYSEAL SCLEROSIS; OSTEOGENESIS IMPERFECTA WITH UNUSUAL SKELETAL LESIONS. Identifiers: Orphanet 53697, MedGen C1833736, MONDO:0008151, OMIM 166260.
Miyoshi muscular dystrophy 3 (MMD3). Also called: Miyoshi myopathy 3; Miyoshi Muscular Dystrophy 3 (MMD3). Identifiers: Orphanet 399096, MedGen C2750076, MONDO:0013222, OMIM 613319.

Allele frequency attached by ClinVar (database versions not stated): 1000 Genomes Project 0.78994; 1000 Genomes Project 30x 0.79872; TOPMed 0.81518; gnomAD 0.82583 and 0.83191.

Submissions (8):

Genome-Nilou Lab
Classification: Benign for Gnathodiaphyseal dysplasia. Last evaluated: 2021-07-14. Review status: criteria provided, single submitter. Criteria: ACMG Guidelines, 2015. Collection method: clinical testing. Allele origin: germline. Affected: no.

Genome-Nilou Lab
Classification: Benign for Miyoshi muscular dystrophy 3. Last evaluated: 2021-07-14. Review status: criteria provided, single submitter. Criteria: ACMG Guidelines, 2015. Collection method: clinical testing. Allele origin: germline. Affected: no.

Genome-Nilou Lab
Classification: Benign for Autosomal recessive limb-girdle muscular dystrophy type 2L. Last evaluated: 2021-07-14. Review status: criteria provided, single submitter. Criteria: ACMG Guidelines, 2015. Collection method: clinical testing. Allele origin: germline. Affected: no.

GeneDx
Classification: Benign. Last evaluated: 2018-06-14. Review status: criteria provided, single submitter. Criteria: GeneDx Variant Classification (06012015). Collection method: clinical testing. Allele origin: germline. Affected: yes.
Comment: This variant is considered likely benign or benign based on one or more of the following criteria: it is a conservative change, it occurs at a poorly conserved position in the protein, it is predicted to be benign by multiple in silico algorithms, and/or has population frequency not consistent with disease.

Illumina Laboratory Services, Illumina
Classification: Benign for ANO5-Related Muscle Diseases. Last evaluated: 2018-01-12. Review status: criteria provided, single submitter. Criteria: ICSL Variant Classification Criteria 13 December 2019. Collection method: clinical testing. Allele origin: germline.
Comment: This variant was observed in the ICSL laboratory as part of a predisposition screen in an ostensibly healthy population. It had not been previously curated by ICSL or reported in the Human Gene Mutation Database (HGMD: prior to June 1st, 2018), and was therefore a candidate for classification through an automated scoring system. Utilizing variant allele frequency, disease prevalence and penetrance estimates, and inheritance mode, an automated score was calculated to assess if this variant is too frequent to cause the disease. Based on the score and internal cut-off values, a variant classified as benign is not then subjected to further curation. The score for this variant resulted in a classification of benign for this disease.

Eurofins Ntd Llc (ga)
Classification: Benign. Last evaluated: 2016-04-12. Review status: criteria provided, single submitter. Criteria: EGL Classification Definitions 2015. Collection method: clinical testing. Allele origin: germline. Observed: 4 variant alleles, 2 heterozygotes, 1 homozygote.

Breakthrough Genomics
Classification: Benign. Review status: criteria provided, single submitter. Criteria: ACMG Guidelines, 2015. Collection method: not provided. Allele origin: germline. Inheritance: Autosomal recessive inheritance. Affected: yes.

ANO5 @LOVD
No classification provided. Review status: no classification provided. Collection method: not provided. Allele origin: unknown. Not counted in ClinVar's aggregate classification.